The following is an entry in ClinVar:

NM_020964.3(EPG5):c.6341G>A (p.Arg2114His)

Gene: EPG5 (ectopic P-granules 5 autophagy tethering factor; minus strand). Cytogenetic location: 18q12.3.
Variant type: single nucleotide variant.
Coding change: c.6341G>A on transcript NM_020964.3 (MANE Select); coding-DNA position 6341, G replaced by A.
Protein change: p.Arg2114His; replaces arginine 2114 with histidine.
Molecular consequence: missense variant.
Genome position (GRCh38, 1-based): chr18:45,867,633, C>T on the plus strand (G>A on the coding strand, the complement: EPG5 is on the minus strand). VCF-style: chr18-45867633-C-T. GRCh37 (hg19) VCF-style: chr18-43447598-C-T.
Other names: c.6341G>A, p.Arg2114His (NM_001410858.1); c.6338G>A, p.Arg2113His (NM_001410859.1); short protein forms R2113H, R2114H.
Identifiers: ClinVar variation 4886071 (VCV004886071.2).

ClinVar aggregate classification (germline): Uncertain significance (1 of 4 stars; one submission).

gnomAD v4.1: 56 of 1,613,894 alleles (0.0035%); highest among the groups gnomAD compares: South Asian, 0.042%; no homozygotes.

Submission:

Dasa
Classification: Uncertain significance. Last evaluated: 2026-01-02. Review status: criteria provided, single submitter. Criteria: DASA Assertion Criteria. Collection method: clinical testing. Allele origin: germline.
Comment: NM_020964.3(EPG5):c.6341G>A (p.Arg2114His) is a missense variant that results in the substitution of arginine with histidine. This variant has been observed in affected individuals with EPG5-related disorders. Also, this variant is rare in population databases. Computational prediction algorithms are consistent with a benign effect. The currently available literature and clinical evidence are not sufficient to establish a definitive association between this variant and the reported condition. Therefore, this variant is classified as a variant of uncertain significance.